The following is an entry in ClinVar:

ClinVar aggregate classification (germline): Uncertain significance. Review status: criteria provided, multiple submitters, no conflicts (2 of 4 stars). 2 submissions from 2 submitters: Uncertain significance (2). Last evaluated 2022-08-15.

Allele frequency attached by ClinVar (database versions not stated): gnomAD exomes below 0.00001; TOPMed below 0.00001; gnomAD 0.00001.
gnomAD v4.1: 3 of 1,614,216 alleles (0.00019%); highest among the groups gnomAD compares: Middle Eastern, 0.016%; no homozygotes.

Submissions (2):

Blueprint Genetics
Classification: Uncertain significance. Last evaluated: 2022-08-15. Review status: criteria provided, single submitter. Criteria: ACMG Guidelines, 2015. Collection method: clinical testing. Allele origin: germline.

Labcorp Genetics (formerly Invitae), Labcorp
Classification: Uncertain significance. Last evaluated: 2021-10-15. Review status: criteria provided, single submitter. Criteria: Invitae Variant Classification Sherloc (09022015). Collection method: clinical testing. Allele origin: germline.
Comment: This sequence change replaces valine with isoleucine at codon 1211 of the ABCA4 protein (p.Val1211Ile). The valine residue is weakly conserved and there is a small physicochemical difference between valine and isoleucine. This variant is not present in population databases (ExAC no frequency). This variant has not been reported in the literature in individuals affected with ABCA4-related conditions. Advanced modeling of protein sequence and biophysical properties (such as structural, functional, and spatial information, amino acid conservation, physicochemical variation, residue mobility, and thermodynamic stability) performed at Invitae indicates that this missense variant is not expected to disrupt ABCA4 protein function. In summary, the available evidence is currently insufficient to determine the role of this variant in disease. Therefore, it has been classified as a Variant of Uncertain Significance.

NM_000350.3(ABCA4):c.3631G>A (p.Val1211Ile)

Genes: ABCA4 (ATP binding cassette subfamily A member 4; minus strand), LOC126805794 (BRD4-independent group 4 enhancer GRCh37_chr1:94502188-94503387; plus strand). Cytogenetic location: 1p22.1.
Variant type: single nucleotide variant.
Coding change: c.3631G>A on transcript NM_000350.3 (MANE Select); coding-DNA position 3631, G replaced by A.
Protein change: p.Val1211Ile; replaces valine 1211 with isoleucine.
Molecular consequence: missense variant.
Genome position (GRCh38, 1-based): chr1:94,037,327, C>T on the plus strand (G>A on the coding strand, the complement: ABCA4 is on the minus strand). VCF-style: chr1-94037327-C-T. GRCh37 (hg19) VCF-style: chr1-94502883-C-T.
Other names: c.3409G>A, p.Val1137Ile (NM_001425324.1); short protein forms V1211I, V1137I.
Identifiers: ClinVar variation 1370208 (VCV001370208.4), dbSNP rs767956362, ClinGen allele CA26860294.